The following is an entry in ClinVar:

NM_000135.4(FANCA):c.1648G>C (p.Asp550His)

Gene: FANCA (FA complementation group A; minus strand). Cytogenetic location: 16q24.3.
Variant type: single nucleotide variant.
Coding change: c.1648G>C on transcript NM_000135.4 (MANE Select); coding-DNA position 1648, G replaced by C.
Protein change: p.Asp550His; replaces aspartic acid 550 with histidine.
Molecular consequence: missense variant.
Genome position (GRCh38, 1-based): chr16:89,779,936, C>G on the plus strand (G>C on the coding strand, the complement: FANCA is on the minus strand). VCF-style: chr16-89779936-C-G. GRCh37 (hg19) VCF-style: chr16-89846344-C-G.
Other names: c.1648G>C, p.Asp550His (NM_001286167.3); short protein forms D550H.
Identifiers: ClinVar variation 4254143 (VCV004254143.1).

ClinVar aggregate classification (germline): Uncertain significance (1 of 4 stars; one submission).

Conditions:
Inborn genetic diseases. Identifiers: MedGen C0950123, MeSH D030342.

Submission:

Ambry Genetics
Classification: Uncertain significance for Inborn genetic diseases. Last evaluated: 2025-06-22. Review status: criteria provided, single submitter. Criteria: Ambry Variant Classification Scheme 2023. Collection method: clinical testing. Allele origin: germline.
Comment: The p.D550H variant (also known as c.1648G>C), located in coding exon 18 of the FANCA gene, results from a G to C substitution at nucleotide position 1648. The aspartic acid at codon 550 is replaced by histidine, an amino acid with similar properties. This amino acid position is conserved. In addition, this alteration is predicted to be deleterious by in silico analysis. Based on the available evidence, the clinical significance of this variant remains unclear.